The following is an entry in ClinVar:

NM_022489.4(INF2):c.105C>T (p.Pro35=)

Gene: INF2 (inverted formin 2; plus strand). Cytogenetic location: 14q32.33.
Variant type: single nucleotide variant.
Coding change: c.105C>T on transcript NM_022489.4 (MANE Select); coding-DNA position 105, C replaced by T.
Protein change: p.Pro35=; no amino-acid change (proline 35 retained).
Molecular consequence: synonymous variant.
Genome position (GRCh38, 1-based): chr14:104,701,470, C>T. VCF-style: chr14-104701470-C-T. GRCh37 (hg19) VCF-style: chr14-105167807-C-T.
Other names: p.Pro35=; c.105C>T, p.Pro35= (NM_001031714.4, NM_032714.3).
Identifiers: ClinVar variation 261603 (VCV000261603.29), dbSNP rs4983530, ClinGen allele CA7372232.

ClinVar aggregate classification (germline): Benign. Review status: criteria provided, multiple submitters, no conflicts (2 of 4 stars). 14 submissions from 14 submitters: Benign (11). 3 of the submissions do not count toward it. Last evaluated 2026-02-04.

Conditions:
Focal segmental glomerulosclerosis 5 (FSGS5). Identifiers: Orphanet 656, MedGen C2750475, MONDO:0013191, OMIM 613237.
Charcot-Marie-Tooth disease dominant intermediate E. Also called: CHARCOT-MARIE-TOOTH NEUROPATHY WITH FOCAL SEGMENTAL GLOMERULONEPHRITIS. Identifiers: Orphanet 93114, MedGen C4302667, MONDO:0013758, OMIM 614455.

Allele frequency attached by ClinVar (database versions not stated): gnomAD 0.98049 and 0.98045; TOPMed 0.98199; ESP Exome Variant Server 0.98227; 1000 Genomes Project 30x 0.98641; 1000 Genomes Project 0.98662; gnomAD exomes 0.97797; ExAC 0.97825.
gnomAD v4.1: 1,565,076 of 1,600,582 alleles (98%); highest among the groups gnomAD compares: East Asian, 100%; 765,311 homozygotes.

Submissions (14):

Labcorp Genetics (formerly Invitae), Labcorp
Classification: Benign for Charcot-Marie-Tooth disease dominant intermediate E; Focal segmental glomerulosclerosis 5. Last evaluated: 2026-02-04. Review status: criteria provided, single submitter. Criteria: Invitae Variant Classification Sherloc (09022015). Collection method: clinical testing. Allele origin: germline.

Blueprint Genetics
Classification: Benign. Last evaluated: 2024-11-27. Review status: criteria provided, single submitter. Criteria: ACMG Guidelines, 2015. Collection method: clinical testing. Allele origin: germline.

Unidad de Genómica Garrahan, Hospital de Pediatría Garrahan
Classification: Benign. Last evaluated: 2024-07-15. Review status: criteria provided, single submitter. Criteria: ACMG Guidelines, 2015. Collection method: clinical testing. Allele origin: germline. Affected: no. Observed: 93 variant alleles.
Comment: This variant is classified as Benign based on local population frequency. This variant was detected in 100% of patients studied in a panel designed for Epileptic and Developmental Encephalopathy and Progressive Myoclonus Epilepsy. Number of patients: 93. Only high quality variants are reported.

Mayo Clinic Laboratories, Mayo Clinic
Classification: Benign. Last evaluated: 2022-10-27. Review status: criteria provided, single submitter. Criteria: ACMG Guidelines, 2015. Collection method: clinical testing. Allele origin: germline. Observed: 2,492 variant alleles.

Genome-Nilou Lab
Classification: Benign for Charcot-Marie-Tooth disease dominant intermediate E. Last evaluated: 2021-08-19. Review status: criteria provided, single submitter. Criteria: ACMG Guidelines, 2015. Collection method: clinical testing. Allele origin: germline. Affected: no.

Illumina Laboratory Services, Illumina
Classification: Benign for Focal segmental glomerulosclerosis 5. Last evaluated: 2018-01-12. Review status: criteria provided, single submitter. Criteria: ICSL Variant Classification Criteria 13 December 2019. Collection method: clinical testing. Allele origin: germline.
Comment: This variant was observed in the ICSL laboratory as part of a predisposition screen in an ostensibly healthy population. It had not been previously curated by ICSL or reported in the Human Gene Mutation Database (HGMD: prior to June 1st, 2018), and was therefore a candidate for classification through an automated scoring system. Utilizing variant allele frequency, disease prevalence and penetrance estimates, and inheritance mode, an automated score was calculated to assess if this variant is too frequent to cause the disease. Based on the score and internal cut-off values, a variant classified as benign is not then subjected to further curation. The score for this variant resulted in a classification of benign for this disease.

Athena Diagnostics
Classification: Benign for Focal segmental glomerulosclerosis 5. Last evaluated: 2017-04-28. Review status: criteria provided, single submitter. Criteria: Athena Diagnostics Criteria. Collection method: clinical testing. Allele origin: germline.

Eurofins Ntd Llc (ga)
Classification: Benign. Last evaluated: 2016-08-11. Review status: criteria provided, single submitter. Criteria: EGL Classification Definitions 2015. Collection method: clinical testing. Allele origin: germline. Observed: 6 variant alleles, 6 homozygotes.

GeneDx
Classification: Benign. Last evaluated: 2015-12-18. Review status: criteria provided, single submitter. Criteria: GeneDx Variant Classification (06012015). Collection method: clinical testing. Allele origin: germline. Affected: yes.
Comment: This variant is considered likely benign or benign based on one or more of the following criteria: it is a conservative change, it occurs at a poorly conserved position in the protein, it is predicted to be benign by multiple in silico algorithms, and/or has population frequency not consistent with disease.

Breakthrough Genomics
Classification: Benign. Review status: criteria provided, single submitter. Criteria: ACMG Guidelines, 2015. Collection method: not provided. Allele origin: germline. Inheritance: Autosomal dominant inheritance. Affected: yes.

PreventionGenetics, part of Exact Sciences
Classification: Benign. Review status: criteria provided, single submitter. Criteria: ACMG Guidelines, 2015. Collection method: clinical testing. Allele origin: germline.

Clinical Genetics, Academic Medical Center
Classification: Benign. Review status: no assertion criteria provided. Collection method: clinical testing. Allele origin: germline. Affected: yes. Study: VKGL Data-share Consensus. Not counted in ClinVar's aggregate classification.

Diagnostic Laboratory, Department of Genetics, University Medical Center Groningen
Classification: Benign. Review status: no assertion criteria provided. Collection method: clinical testing. Allele origin: germline. Affected: yes. Study: VKGL Data-share Consensus. Not counted in ClinVar's aggregate classification.

Genome Diagnostics Laboratory, University Medical Center Utrecht
Classification: Benign. Review status: no assertion criteria provided. Collection method: clinical testing. Allele origin: germline. Affected: yes. Study: VKGL Data-share Consensus. Not counted in ClinVar's aggregate classification.